The following is an entry in ClinVar:

NM_021098.3(CACNA1H):c.2789+6C>T

Gene: CACNA1H (calcium voltage-gated channel subunit alpha1 H; plus strand). Cytogenetic location: 16p13.3.
Variant type: single nucleotide variant.
Coding change: c.2789+6C>T on transcript NM_021098.3 (MANE Select); 6 bases into the intron after coding-DNA position 2789, C replaced by T.
Molecular consequence: intron variant.
Genome position (GRCh38, 1-based): chr16:1,206,295, C>T. VCF-style: chr16-1206295-C-T. GRCh37 (hg19) VCF-style: chr16-1256295-C-T.
Other names: c.2789+6C>T (NM_001005407.2).
Identifiers: ClinVar variation 2050220 (VCV002050220.5), dbSNP rs201029419, ClinGen allele CA7800425.

ClinVar aggregate classification (germline): Conflicting classifications of pathogenicity. Review status: criteria provided, conflicting classifications (1 of 4 stars). 2 submissions from 2 submitters: Uncertain significance (1); Likely benign (1). Last evaluated 2025-09-19.

Conditions:
Idiopathic generalized epilepsy. Also called: Generalised epilepsy; EIG. Identifiers: MedGen C0270850, MONDO:0005579, OMIM 600669.
Hyperaldosteronism, familial, type IV (HALD4). Also called: FH IV; ALDOSTERONISM, PRIMARY, AND HYPERTENSION. Identifiers: Orphanet 642671, MedGen C4310756, MONDO:0014875, OMIM 617027.
Epilepsy, childhood absence, susceptibility to, 6. Identifiers: Orphanet 64280, MedGen C2749872, MONDO:0012763, OMIM 611942.

Allele frequency attached by ClinVar (database versions not stated): TOPMed 0.00007; ESP Exome Variant Server 0.00008; ExAC 0.00009; gnomAD 0.00010; gnomAD exomes 0.00013; 1000 Genomes Project 30x 0.00047; 1000 Genomes Project 0.00060.
gnomAD v4.1: 203 of 1,550,720 alleles (0.013%); highest among the groups gnomAD compares: Non-Finnish European, 0.015%; no homozygotes.

Submissions (2):

Labcorp Genetics (formerly Invitae), Labcorp
Classification: Uncertain significance for Idiopathic generalized epilepsy; Hyperaldosteronism, familial, type IV. Last evaluated: 2025-09-19. Review status: criteria provided, single submitter. Criteria: Invitae Variant Classification Sherloc (09022015). Collection method: clinical testing. Allele origin: germline.
Comment: This sequence change falls in intron 12 of the CACNA1H gene. It does not directly change the encoded amino acid sequence of the CACNA1H protein. It affects a nucleotide within the consensus splice site. This variant is present in population databases (rs201029419, gnomAD 0.01%). This variant has not been reported in the literature in individuals affected with CACNA1H-related conditions. ClinVar contains an entry for this variant (Variation ID: 2050220). Variants that disrupt the consensus splice site are a relatively common cause of aberrant splicing (PMID: 17576681, 9536098). Algorithms developed to predict the effect of sequence changes on RNA splicing suggest that this variant is not likely to affect RNA splicing. In summary, the available evidence is currently insufficient to determine the role of this variant in disease. Therefore, it has been classified as a Variant of Uncertain Significance.

Fulgent Genetics
Classification: Likely benign for Epilepsy, childhood absence, susceptibility to, 6; Hyperaldosteronism, familial, type IV. Last evaluated: 2024-01-25. Review status: criteria provided, single submitter. Criteria: ACMG Guidelines, 2015. Collection method: clinical testing. Allele origin: germline.

Literature cited by the submitters: PubMed 17576681 (cited by Labcorp Genetics (formerly Invitae), Labcorp); PubMed 9536098 (cited by Labcorp Genetics (formerly Invitae), Labcorp).